The following is an entry in ClinVar:

NM_001244710.2(GFPT1):c.*6366T>C

Gene: GFPT1 (glutamine--fructose-6-phosphate transaminase 1; minus strand). Cytogenetic location: 2p13.3.
Variant type: single nucleotide variant.
Coding change: c.*6366T>C on transcript NM_001244710.2 (MANE Select); 6366 bases downstream of the stop codon, T replaced by C.
Molecular consequence: 3 prime UTR variant.
Genome position (GRCh38, 1-based): chr2:69,319,823, A>G on the plus strand (T>C on the coding strand, the complement: GFPT1 is on the minus strand). VCF-style: chr2-69319823-A-G. GRCh37 (hg19) VCF-style: chr2-69546955-A-G.
Other names: c.*6366T>C (NM_002056.4).
Identifiers: ClinVar variation 336780 (VCV000336780.5), dbSNP rs115964031, ClinGen allele CA10615966.

ClinVar aggregate classification (germline): Benign (1 of 4 stars; one submission).

Conditions:
Congenital myasthenic syndrome 12 (CMS12). Also called: MYASTHENIC SYNDROME, CONGENITAL, WITH TUBULAR AGGREGATES 1; Myasthenia, congenital, 12, with tubular aggregates. Identifiers: Orphanet 353327, Orphanet 590, MedGen C3552335, MONDO:0012518, OMIM 610542.

Allele frequency attached by ClinVar (database versions not stated): gnomAD 0.00593 and 0.00633; TOPMed 0.00671; 1000 Genomes Project 0.00899; 1000 Genomes Project 30x 0.00906.

Submission:

Illumina Laboratory Services, Illumina
Classification: Benign for Congenital myasthenic syndrome 12. Last evaluated: 2018-01-13. Review status: criteria provided, single submitter. Criteria: ICSL Variant Classification Criteria 13 December 2019. Collection method: clinical testing. Allele origin: germline.
Comment: This variant was observed in the ICSL laboratory as part of a predisposition screen in an ostensibly healthy population. It had not been previously curated by ICSL or reported in the Human Gene Mutation Database (HGMD: prior to June 1st, 2018), and was therefore a candidate for classification through an automated scoring system. Utilizing variant allele frequency, disease prevalence and penetrance estimates, and inheritance mode, an automated score was calculated to assess if this variant is too frequent to cause the disease. Based on the score and internal cut-off values, a variant classified as benign is not then subjected to further curation. The score for this variant resulted in a classification of benign for this disease.